The following is an entry in ClinVar:

NM_015338.6(ASXL1):c.143G>T (p.Ser48Ile)

Gene: ASXL1 (ASXL transcriptional regulator 1; plus strand). Cytogenetic location: 20q11.21.
Variant type: single nucleotide variant.
Coding change: c.143G>T on transcript NM_015338.6 (MANE Select); coding-DNA position 143, G replaced by T.
Protein change: p.Ser48Ile; replaces serine 48 with isoleucine.
Molecular consequence: missense variant.
Genome position (GRCh38, 1-based): chr20:32,367,729, G>T. VCF-style: chr20-32367729-G-T. GRCh37 (hg19) VCF-style: chr20-30955532-G-T.
Other names: c.143G>T, p.Ser48Ile (NM_001164603.1); c.113G>T, p.Ser38Ile (NM_001363734.1); short protein forms S38I, S48I.
Identifiers: ClinVar variation 2091485 (VCV002091485.4), dbSNP rs567076886, ClinGen allele CA408578486.

ClinVar aggregate classification (germline): Uncertain significance (1 of 4 stars; one submission).

Allele frequency attached by ClinVar (database versions not stated): gnomAD exomes below 0.00001.

Submission:

Labcorp Genetics (formerly Invitae), Labcorp
Classification: Uncertain significance. Last evaluated: 2022-06-25. Review status: criteria provided, single submitter. Criteria: Invitae Variant Classification Sherloc (09022015). Collection method: clinical testing. Allele origin: germline.
Comment: In summary, the available evidence is currently insufficient to determine the role of this variant in disease. Therefore, it has been classified as a Variant of Uncertain Significance. Variants that disrupt the consensus splice site are a relatively common cause of aberrant splicing (PMID: 17576681, 9536098). Algorithms developed to predict the effect of sequence changes on RNA splicing suggest that this variant may disrupt the consensus splice site. Algorithms developed to predict the effect of missense changes on protein structure and function are either unavailable or do not agree on the potential impact of this missense change (SIFT: "Deleterious"; PolyPhen-2: "Benign"; Align-GVGD: "Class C15"). This variant has not been reported in the literature in individuals affected with ASXL1-related conditions. This variant is not present in population databases (gnomAD no frequency). This sequence change replaces serine, which is neutral and polar, with isoleucine, which is neutral and non-polar, at codon 48 of the ASXL1 protein (p.Ser48Ile). This variant also falls at the last nucleotide of exon 3, which is part of the consensus splice site for this exon.

Literature cited by the submitters: PubMed 17576681; PubMed 9536098.